The following is an entry in ClinVar:

NM_001394998.1(TANC2):c.5715C>T (p.Asp1905=)

Gene: TANC2 (tetratricopeptide repeat, ankyrin repeat and coiled-coil containing 2; plus strand). Cytogenetic location: 17q23.3.
Variant type: single nucleotide variant.
Coding change: c.5715C>T on transcript NM_001394998.1 (MANE Select); coding-DNA position 5715, C replaced by T.
Protein change: p.Asp1905=; no amino-acid change (aspartic acid 1905 retained).
Molecular consequence: synonymous variant.
Genome position (GRCh38, 1-based): chr17:63,421,445, C>T. VCF-style: chr17-63421445-C-T. GRCh37 (hg19) VCF-style: chr17-61498806-C-T.
Other names: c.5493C>T, p.Asp1831= (NM_001411076.1); c.5463C>T, p.Asp1821= (NM_025185.4).
Identifiers: ClinVar variation 3770787 (VCV003770787.13).

ClinVar aggregate classification (germline): Likely benign (1 of 4 stars; one submission).

gnomAD v4.1: 35 of 1,613,898 alleles (0.0022%); highest among the groups gnomAD compares: Middle Eastern, 0.016%; no homozygotes.

Submission:

CeGaT Center for Human Genetics Tuebingen
Classification: Likely benign. Last evaluated: 2024-12-01. Review status: criteria provided, single submitter. Criteria: CeGaT Center For Human Genetics Tuebingen Variant Classification Criteria Version 2. Collection method: clinical testing. Allele origin: germline. Affected: yes. Observed: 1 variant allele.
Comment: TANC2: BP4, BP7